The following is an entry in ClinVar:

NM_007327.4(GRIN1):c.1950C>G (p.Asn650Lys)

Gene: GRIN1 (glutamate ionotropic receptor NMDA type subunit 1; plus strand). Cytogenetic location: 9q34.3.
Variant type: single nucleotide variant.
Coding change: c.1950C>G on transcript NM_007327.4 (MANE Select); coding-DNA position 1950, C replaced by G.
Protein change: p.Asn650Lys; replaces asparagine 650 with lysine.
Molecular consequence: missense variant.
Genome position (GRCh38, 1-based): chr9:137,162,676, C>G. VCF-style: chr9-137162676-C-G. GRCh37 (hg19) VCF-style: chr9-140057128-C-G.
Other names: c.1950C>G, p.Asn650Lys (NM_000832.7, NM_021569.4); c.2013C>G, p.Asn671Lys (NM_001185090.2, NM_001185091.2); short protein forms N650K, N671K.
Identifiers: ClinVar variation 487502 (VCV000487502.4), dbSNP rs771610568, ClinGen allele CA375720956.

ClinVar aggregate classification (germline): Pathogenic (0 of 4 stars; one submission).

Conditions:
Neurodevelopmental disorder with or without hyperkinetic movements and seizures, autosomal dominant. Also called: Intellectual disability, autosomal dominant 8. Identifiers: MedGen C3280282, MONDO:0013655, OMIM 614254.

Submissions (2):

OMIM
Classification: Pathogenic for NEURODEVELOPMENTAL DISORDER WITH HYPERKINETIC MOVEMENTS AND SEIZURES, AUTOSOMAL DOMINANT. Last evaluated: 2018-01-09. Review status: no assertion criteria provided. Collection method: literature only. Allele origin: germline.

Institute of experimental medicine CAS – Neurochemistry department., Institute of Experimental Medicine, Czech Academy of Science
No classification provided (evidence only). Review status: no classification provided. Collection method: in vitro. Allele origin: not applicable. Functional consequence: Decreased function. Not counted in ClinVar's aggregate classification.
Comment: The N650K variant has been reported in patient with severe developmental delay and seizures. Patient showed hand-washing, hand-wringing, hand-mouthing stereotypical movements, dyskinesia, bruxism (Lemke et al., 2016 PMID: 27164704; Ohba et al., 2015 PMID: 25864721).

"not provided" was previously submitted as the classification for the variant. It was converted to no classification on 2025-07-30.

Literature cited by the submitters: PubMed 25864721 (cited by OMIM).